The following is an entry in ClinVar:

ClinVar aggregate classification (germline): Uncertain significance (1 of 4 stars; one submission).

Conditions:
Spondyloenchondrodysplasia with immune dysregulation (SPENCDI). Also called: COMBINED IMMUNODEFICIENCY WITH AUTOIMMUNITY AND SPONDYLOMETAPHYSEAL DYSPLASIA; ROIFMAN IMMUNOSKELETAL SYNDROME; SPONDYLOENCHONDRODYSPLASIA WITH OR WITHOUT IMMUNE DYSREGULATION. Identifiers: Orphanet 1855, MedGen C1842763, MONDO:0011939, OMIM 607944.

Allele frequency attached by ClinVar (database versions not stated): ExAC 0.00002; gnomAD exomes 0.00002; TOPMed 0.00002; gnomAD 0.00004; ESP Exome Variant Server 0.00008; 1000 Genomes Project 30x 0.00016; 1000 Genomes Project 0.00020.
gnomAD v4.1: 31 of 1,613,870 alleles (0.0019%); highest among the groups gnomAD compares: East Asian, 0.042%; no homozygotes.

Submission:

Labcorp Genetics (formerly Invitae), Labcorp
Classification: Uncertain significance for Spondyloenchondrodysplasia with immune dysregulation. Last evaluated: 2023-12-11. Review status: criteria provided, single submitter. Criteria: Invitae Variant Classification Sherloc (09022015). Collection method: clinical testing. Allele origin: germline.
Comment: This sequence change replaces methionine, which is neutral and non-polar, with threonine, which is neutral and polar, at codon 3 of the ACP5 protein (p.Met3Thr). This variant is present in population databases (rs200284614, gnomAD 0.007%). This variant has not been reported in the literature in individuals affected with ACP5-related conditions. ClinVar contains an entry for this variant (Variation ID: 2159896). Algorithms developed to predict the effect of missense changes on protein structure and function output the following: SIFT: "Not Available"; PolyPhen-2: "Benign"; Align-GVGD: "Not Available". The threonine amino acid residue is found in multiple mammalian species, which suggests that this missense change does not adversely affect protein function. In summary, the available evidence is currently insufficient to determine the role of this variant in disease. Therefore, it has been classified as a Variant of Uncertain Significance.

NM_001611.5(ACP5):c.8T>C (p.Met3Thr)

Gene: ACP5 (acid phosphatase 5, tartrate resistant; minus strand). Cytogenetic location: 19p13.2.
Variant type: single nucleotide variant.
Coding change: c.8T>C on transcript NM_001611.5 (MANE Select); coding-DNA position 8, T replaced by C.
Protein change: p.Met3Thr; replaces methionine 3 with threonine.
Molecular consequence: missense variant.
Genome position (GRCh38, 1-based): chr19:11,577,310, A>G on the plus strand (T>C on the coding strand, the complement: ACP5 is on the minus strand). VCF-style: chr19-11577310-A-G. GRCh37 (hg19) VCF-style: chr19-11688125-A-G.
Other names: c.8T>C, p.Met3Thr (NM_001111034.3, NM_001111035.3, NM_001111036.3 and 1 more transcripts); short protein forms M3T.
Identifiers: ClinVar variation 2159896 (VCV002159896.2), dbSNP rs200284614, ClinGen allele CA9215545.